The following is an entry in ClinVar:

NM_014003.4(DHX38):c.1565A>G (p.Lys522Arg)

Gene: DHX38 (DEAH-box helicase 38; plus strand). Cytogenetic location: 16q22.2.
Variant type: single nucleotide variant.
Coding change: c.1565A>G on transcript NM_014003.4 (MANE Select); coding-DNA position 1565, A replaced by G.
Protein change: p.Lys522Arg; replaces lysine 522 with arginine.
Molecular consequence: missense variant.
Genome position (GRCh38, 1-based): chr16:72,103,139, A>G. VCF-style: chr16-72103139-A-G. GRCh37 (hg19) VCF-style: chr16-72137038-A-G.
Other names: short protein forms K522R.
Identifiers: ClinVar variation 1470912 (VCV001470912.9), dbSNP rs1567607313, ClinGen allele CA396707491.

ClinVar aggregate classification (germline): Uncertain significance. Review status: criteria provided, multiple submitters, no conflicts (2 of 4 stars). 2 submissions from 2 submitters: Uncertain significance (2). Last evaluated 2024-02-24.

Allele frequency attached by ClinVar (database versions not stated): gnomAD exomes below 0.00001.
gnomAD v4.1: 1 of 1,614,252 alleles (0.000062%); highest among the groups gnomAD compares: East Asian, 0.0022%; no homozygotes.

Submissions (2):

Labcorp Genetics (formerly Invitae), Labcorp
Classification: Uncertain significance. Last evaluated: 2024-02-24. Review status: criteria provided, single submitter. Criteria: Invitae Variant Classification Sherloc (09022015). Collection method: clinical testing. Allele origin: germline.
Comment: This sequence change replaces lysine, which is basic and polar, with arginine, which is basic and polar, at codon 522 of the DHX38 protein (p.Lys522Arg). This variant is not present in population databases (gnomAD no frequency). This variant has not been reported in the literature in individuals affected with DHX38-related conditions. ClinVar contains an entry for this variant (Variation ID: 1470912). Advanced modeling of protein sequence and biophysical properties (such as structural, functional, and spatial information, amino acid conservation, physicochemical variation, residue mobility, and thermodynamic stability) performed at Invitae indicates that this missense variant is not expected to disrupt DHX38 protein function with a negative predictive value of 80%. In summary, the available evidence is currently insufficient to determine the role of this variant in disease. Therefore, it has been classified as a Variant of Uncertain Significance.

Blueprint Genetics
Classification: Uncertain significance. Last evaluated: 2023-11-28. Review status: criteria provided, single submitter. Criteria: ACMG Guidelines, 2015. Collection method: clinical testing. Allele origin: germline.